The following is an entry in ClinVar:

ClinVar aggregate classification (germline): Uncertain significance (1 of 4 stars; one submission).

Conditions:
H syndrome. Also called: Pigmented hypertrichosis and insulin-dependent diabetes mellitus; HISTIOCYTOSIS AND LYMPHADENOPATHY WITH OR WITHOUT CUTANEOUS, CARDIAC, AND/OR ENDOCRINE FEATURES, JOINT CONTRACTURES, AND/OR DEAFNESS; HYPERPIGMENTATION, CUTANEOUS, WITH HYPERTRICHOSIS, HEPATOSPLENOMEGALY, HEART ANOMALIES, AND HYPOGONADISM WITH OR WITHOUT HEARING LOSS; PIGMENTED HYPERTRICHOSIS WITH INSULIN-DEPENDENT DIABETES MELLITUS; ROSAI-DORFMAN DISEASE, FAMILIAL; SINUS HISTIOCYTOSIS AND MASSIVE LYMPHADENOPATHY. Identifiers: Orphanet 168569, MedGen C1864445, MONDO:0011273, OMIM 602782.

Allele frequency attached by ClinVar (database versions not stated): gnomAD exomes 0.00001; TOPMed 0.00001.

Submission:

Labcorp Genetics (formerly Invitae), Labcorp
Classification: Uncertain significance for H syndrome. Last evaluated: 2021-05-13. Review status: criteria provided, single submitter. Criteria: Invitae Variant Classification Sherloc (09022015). Collection method: clinical testing. Allele origin: germline.
Comment: This variant has not been reported in the literature in individuals with SLC29A3-related conditions. This variant is not present in population databases (ExAC no frequency). This sequence change falls in intron 3 of the SLC29A3 gene. It does not directly change the encoded amino acid sequence of the SLC29A3 protein. It affects a nucleotide within the consensus splice site of the intron. Nucleotide substitutions within the consensus splice site are a relatively common cause of aberrant splicing (PMID: 17576681, 9536098). Algorithms developed to predict the effect of sequence changes on RNA splicing suggest that this variant may disrupt the consensus splice site, but this prediction has not been confirmed by published transcriptional studies. In summary, the available evidence is currently insufficient to determine the role of this variant in disease. Therefore, it has been classified as a Variant of Uncertain Significance.

Literature cited by the submitters: PubMed 17576681; PubMed 9536098.

NM_018344.6(SLC29A3):c.383+5G>A

Genes: SLC29A3 (solute carrier family 29 member 3; plus strand), LOC105378353 (uncharacterized LOC105378353; minus strand). Cytogenetic location: 10q22.1.
Variant type: single nucleotide variant.
Coding change: c.383+5G>A on transcript NM_018344.6 (MANE Select); 5 bases into the intron after coding-DNA position 383, G replaced by A.
Molecular consequence: intron variant.
Genome position (GRCh38, 1-based): chr10:71,344,296, G>A. VCF-style: chr10-71344296-G-A. GRCh37 (hg19) VCF-style: chr10-73104053-G-A.
Other names: c.149+5G>A (NM_001363518.2); c.383+5G>A (NM_001174098.2).
Identifiers: ClinVar variation 1515905 (VCV001515905.6), dbSNP rs1846503811, ClinGen allele CA1918670585.